The following is an entry in ClinVar:

ClinVar aggregate classification (germline): Conflicting classifications of pathogenicity. Review status: criteria provided, conflicting classifications (1 of 4 stars). 5 submissions from 5 submitters: Likely pathogenic (1); Uncertain significance (4). Last evaluated 2026-10-02.

Conditions:
Mitochondrial DNA depletion syndrome, myopathic form (MTDPS2). Also called: MITOCHONDRIAL DNA DEPLETION MYOPATHY, TK2-RELATED; TK2-Related Mitochondrial DNA Maintenance Defect, Myopathic Form; MITOCHONDRIAL DNA DEPLETION SYNDROME 2 (MYOPATHIC TYPE). Identifiers: Orphanet 254875, MedGen C3149750, MONDO:0012301, OMIM 609560.

Allele frequency attached by ClinVar (database versions not stated): 1000 Genomes Project 30x 0.00031; gnomAD exomes 0.00003 and 0.00008; gnomAD 0.00005 and 0.00007; TOPMed 0.00007; ExAC 0.00013; 1000 Genomes Project 0.00020; ESP Exome Variant Server 0.00008.
gnomAD v4.1: 61 of 1,614,222 alleles (0.0038%); highest among the groups gnomAD compares: Admixed American, 0.018%; no homozygotes.

Submissions (5):

GeneDx
Classification: Uncertain significance. Last evaluated: 2026-10-02. Review status: criteria provided, single submitter. Criteria: GeneDx Variant Classification Process June 2021. Collection method: clinical testing. Allele origin: germline.
Comment: In silico analysis suggests that this missense variant does not alter protein structure/function; Reported previously in a patient with myopathy, DCM, hearing loss, axonal neuropathy, and abnormal muscle histology who also harbored another variant in trans; however, the patient was also noted to have multiple mtDNA deletions (PMID: 38703036); This variant is associated with the following publications: (PMID: 38703036)

Service de Génétique Médicale, Centre Hospitalier Universitaire de Nice-Université Côte d'Azur
Classification: Likely pathogenic for Mitochondrial DNA depletion syndrome, myopathic form. Last evaluated: 2024-02-27. Review status: criteria provided, single submitter. Criteria: ACMG Guidelines, 2015. Collection method: clinical testing. Allele origin: germline. Affected: yes.

Blueprint Genetics
Classification: Uncertain significance. Last evaluated: 2023-08-09. Review status: criteria provided, single submitter. Criteria: ACMG Guidelines, 2015. Collection method: clinical testing. Allele origin: germline.

Labcorp Genetics (formerly Invitae), Labcorp
Classification: Uncertain significance. Last evaluated: 2022-08-20. Review status: criteria provided, single submitter. Criteria: Invitae Variant Classification Sherloc (09022015). Collection method: clinical testing. Allele origin: germline.
Comment: This sequence change replaces isoleucine, which is neutral and non-polar, with valine, which is neutral and non-polar, at codon 255 of the TK2 protein (p.Ile255Val). This variant is present in population databases (rs144419486, gnomAD 0.03%). This variant has not been reported in the literature in individuals affected with TK2-related conditions. ClinVar contains an entry for this variant (Variation ID: 885399). Algorithms developed to predict the effect of missense changes on protein structure and function (SIFT, PolyPhen-2, Align-GVGD) all suggest that this variant is likely to be disruptive. In summary, the available evidence is currently insufficient to determine the role of this variant in disease. Therefore, it has been classified as a Variant of Uncertain Significance.

Illumina Laboratory Services, Illumina
Classification: Uncertain significance for Mitochondrial DNA depletion syndrome, myopathic form. Last evaluated: 2018-01-13. Review status: criteria provided, single submitter. Criteria: ICSL Variant Classification Criteria 13 December 2019. Collection method: clinical testing. Allele origin: germline.

Literature cited by the submitters: PubMed 38703036 (cited by Service de Génétique Médicale, Centre Hospitalier Universitaire de Nice-Université Côte d'Azur).

NM_004614.5(TK2):c.763A>G (p.Ile255Val)

Gene: TK2 (thymidine kinase 2; minus strand). Cytogenetic location: 16q21.
Variant type: single nucleotide variant.
Coding change: c.763A>G on transcript NM_004614.5 (MANE Select); coding-DNA position 763, A replaced by G.
Protein change: p.Ile255Val; replaces isoleucine 255 with valine.
Molecular consequence: missense variant. On other transcripts: 3 prime UTR variant (1), non-coding transcript variant (1).
Genome position (GRCh38, 1-based): chr16:66,512,003, T>C on the plus strand (A>G on the coding strand, the complement: TK2 is on the minus strand). VCF-style: chr16-66512003-T-C. GRCh37 (hg19) VCF-style: chr16-66545906-T-C.
Other names: c.670A>G, p.Ile224Val (NM_001172643.1); c.688A>G, p.Ile230Val (NM_001172644.2); c.709A>G, p.Ile237Val (NM_001172645.2); c.616A>G, p.Ile206Val (NM_001271934.2); c.*60A>G (NM_001271935.1); c.472A>G, p.Ile158Val (NM_001272050.2); short protein forms I158V, I237V, I206V, I224V, I230V, I255V.
Identifiers: ClinVar variation 885399 (VCV000885399.12), dbSNP rs144419486, ClinGen allele CA8093554.